The following is an entry in ClinVar:

NM_000379.4(XDH):c.2457-12G>A

Gene: XDH (xanthine dehydrogenase; minus strand). Cytogenetic location: 2p23.1.
Variant type: single nucleotide variant.
Coding change: c.2457-12G>A on transcript NM_000379.4 (MANE Select); 12 bases into the intron before coding-DNA position 2457, G replaced by A.
Molecular consequence: intron variant.
Genome position (GRCh38, 1-based): chr2:31,365,556, C>T on the plus strand (G>A on the coding strand, the complement: XDH is on the minus strand). VCF-style: chr2-31365556-C-T. GRCh37 (hg19) VCF-style: chr2-31588422-C-T.
Identifiers: ClinVar variation 3019262 (VCV003019262.3), dbSNP rs755951136, ClinGen allele CA1598811.

ClinVar aggregate classification (germline): Uncertain significance (1 of 4 stars; one submission).

Conditions:
Xanthinuria type II. Also called: Xanthine dehydrogenase and aldehyde oxidase combined deficiency of; XDH and AOX dual deficiency. Identifiers: Orphanet 3467, Orphanet 93602, MedGen C1863688, MONDO:0011346, OMIM 603592.

Allele frequency attached by ClinVar (database versions not stated): TOPMed 0.00001; gnomAD 0.00002; gnomAD exomes 0.00003; ExAC 0.00005.
gnomAD v4.1: 48 of 1,613,956 alleles (0.003%); highest among the groups gnomAD compares: Middle Eastern, 0.016%; no homozygotes.

Submission:

Labcorp Genetics (formerly Invitae), Labcorp
Classification: Uncertain significance for Xanthinuria type II. Last evaluated: 2023-02-16. Review status: criteria provided, single submitter. Criteria: Invitae Variant Classification Sherloc (09022015). Collection method: clinical testing. Allele origin: germline.
Comment: In summary, the available evidence is currently insufficient to determine the role of this variant in disease. Therefore, it has been classified as a Variant of Uncertain Significance. Algorithms developed to predict the effect of sequence changes on RNA splicing suggest that this variant may disrupt the consensus splice site. This variant has not been reported in the literature in individuals affected with XDH-related conditions. This variant is present in population databases (rs755951136, gnomAD 0.02%). This sequence change falls in intron 22 of the XDH gene. It does not directly change the encoded amino acid sequence of the XDH protein.